The following is an entry in ClinVar:

NM_014339.7(IL17RA):c.1846G>A (p.Gly616Ser)

Gene: IL17RA (interleukin 17 receptor A; plus strand). Cytogenetic location: 22q11.1.
Variant type: single nucleotide variant.
Coding change: c.1846G>A on transcript NM_014339.7 (MANE Select); coding-DNA position 1846, G replaced by A.
Protein change: p.Gly616Ser; replaces glycine 616 with serine.
Molecular consequence: missense variant.
Genome position (GRCh38, 1-based): chr22:17,109,065, G>A. VCF-style: chr22-17109065-G-A. GRCh37 (hg19) VCF-style: chr22-17589955-G-A.
Other names: c.1744G>A, p.Gly582Ser (NM_001289905.2); short protein forms G582S, G616S.
Identifiers: ClinVar variation 1384709 (VCV001384709.8), dbSNP rs375421722, ClinGen allele CA10086868.

ClinVar aggregate classification (germline): Uncertain significance (1 of 4 stars; one submission).

Conditions:
Immunodeficiency 51 (IMD51). Also called: CANDIDIASIS, FAMILIAL, 5. Identifiers: Orphanet 1334, MedGen C4310803, MONDO:0013500, OMIM 613953.

Allele frequency attached by ClinVar (database versions not stated): gnomAD 0.00001; gnomAD exomes 0.00001; TOPMed 0.00001; ESP Exome Variant Server 0.00008.
gnomAD v4.1: 8 of 1,585,916 alleles (0.0005%); highest among the groups gnomAD compares: Admixed American, 0.0017%; no homozygotes.

Submission:

Labcorp Genetics (formerly Invitae), Labcorp
Classification: Uncertain significance for Immunodeficiency 51. Last evaluated: 2022-08-21. Review status: criteria provided, single submitter. Criteria: Invitae Variant Classification Sherloc (09022015). Collection method: clinical testing. Allele origin: germline.
Comment: In summary, the available evidence is currently insufficient to determine the role of this variant in disease. Therefore, it has been classified as a Variant of Uncertain Significance. Algorithms developed to predict the effect of sequence changes on RNA splicing suggest that this variant may create or strengthen a splice site. Algorithms developed to predict the effect of missense changes on protein structure and function are either unavailable or do not agree on the potential impact of this missense change (SIFT: "Tolerated"; PolyPhen-2: "Possibly Damaging"; Align-GVGD: "Class C0"). ClinVar contains an entry for this variant (Variation ID: 1384709). This variant has not been reported in the literature in individuals affected with IL17RA-related conditions. The frequency data for this variant in the population databases is considered unreliable, as metrics indicate poor data quality at this position in the gnomAD database. This sequence change replaces glycine, which is neutral and non-polar, with serine, which is neutral and polar, at codon 616 of the IL17RA protein (p.Gly616Ser).